The following is an entry in ClinVar:

NM_001173990.3(TMEM216):c.-28G>T

Gene: TMEM216 (transmembrane protein 216; plus strand). Cytogenetic location: 11q12.2.
Variant type: single nucleotide variant.
Coding change: c.-28G>T on transcript NM_001173990.3 (MANE Select); 28 bases upstream of the start codon, G replaced by T.
Molecular consequence: 5 prime UTR variant.
Genome position (GRCh38, 1-based): chr11:61,392,604, G>T. VCF-style: chr11-61392604-G-T. GRCh37 (hg19) VCF-style: chr11-61160076-G-T.
Other names: c.-28G>T (NM_001173991.3); c.-225G>T (NM_001330285.2, NM_016499.6).
Identifiers: ClinVar variation 3054282 (VCV003054282.2), dbSNP rs369060712, ClinGen allele CA6034685.
Genomic context (GRCh38, chr11:61,392,604, plus strand): 5'-GCGGGCGGGCAGAGGGGCCGGAAACCCAGGCCGCTTCGTCCCTGTTTCCGGCAGCGCCGC[G>T]CTGCTCCGGGAGCCGCTGTGGCAGCGTATGCTGCCACGGGGACTGAAGATGGCGCCGCGA-3'

ClinVar aggregate classification (germline): Likely benign (0 of 4 stars; one submission).

Conditions:
TMEM216-related disorder. Also called: TMEM216-related disorders; TMEM216-related condition.

Allele frequency attached by ClinVar (database versions not stated): gnomAD 0.00001; TOPMed 0.00002; ExAC 0.00016.
gnomAD v4.1: 19 of 1,535,156 alleles (0.0012%); highest among the groups gnomAD compares: African/African-American, 0.0055%; no homozygotes.

Submission:

PreventionGenetics, part of Exact Sciences
Classification: Likely benign for TMEM216-related condition. Last evaluated: 2021-04-07. Review status: no assertion criteria provided. Collection method: clinical testing. Allele origin: germline.
Comment: This variant is classified as likely benign based on ACMG/AMP sequence variant interpretation guidelines (Richards et al. 2015 PMID: 25741868, with internal and published modifications).